The following is an entry in ClinVar:

ClinVar aggregate classification (germline): Uncertain significance (1 of 4 stars; one submission).

Submission:

GeneDx
Classification: Uncertain significance. Last evaluated: 2026-02-11. Review status: criteria provided, single submitter. Criteria: GeneDx Variant Classification Process June 2021. Collection method: clinical testing. Allele origin: germline.
Comment: Not observed at significant frequency in large population cohorts (gnomAD); In silico analysis suggests that this missense variant does not alter protein structure/function; Has not been previously published as pathogenic or benign to our knowledge

NM_001320.7(CSNK2B):c.524G>A (p.Arg175Gln)

Gene: CSNK2B (casein kinase 2 beta; plus strand). Cytogenetic location: 6p21.33.
Variant type: single nucleotide variant.
Coding change: c.524G>A on transcript NM_001320.7 (MANE Select); coding-DNA position 524, G replaced by A.
Protein change: p.Arg175Gln; replaces arginine 175 with glutamine.
Molecular consequence: missense variant.
Genome position (GRCh38, 1-based): chr6:31,669,475, G>A. VCF-style: chr6-31669475-G-A. GRCh37 (hg19) VCF-style: chr6-31637252-G-A.
Other names: c.515G>A, p.Arg172Gln (NM_001282385.2); short protein forms R172Q, R175Q.
Identifiers: ClinVar variation 5009898 (VCV005009898.1).